The following is an entry in ClinVar:

ClinVar aggregate classification (germline): Uncertain significance. Review status: criteria provided, multiple submitters, no conflicts (2 of 4 stars). 2 submissions from 2 submitters: Uncertain significance (2). Last evaluated 2025-12-08.

Conditions:
Renal cell carcinoma. Identifiers: Orphanet 217071, MedGen C0007134, MeSH D002292, MONDO:0005086, HP:0005584.
Hereditary cancer-predisposing syndrome. Also called: Tumor predisposition; Hereditary Cancer Syndrome; Hereditary neoplastic syndrome; Neoplastic Syndromes, Hereditary. Identifiers: Orphanet 140162, MedGen C0027672, MeSH D009386, MONDO:0015356.

Submissions (2):

Labcorp Genetics (formerly Invitae), Labcorp
Classification: Uncertain significance for Renal cell carcinoma. Last evaluated: 2025-12-08. Review status: criteria provided, single submitter. Criteria: Invitae Variant Classification Sherloc (09022015). Collection method: clinical testing. Allele origin: germline.
Comment: This sequence change replaces aspartic acid, which is acidic and polar, with histidine, which is basic and polar, at codon 224 of the MET protein (p.Asp224His). This variant is not present in population databases (gnomAD no frequency). This variant has not been reported in the literature in individuals affected with MET-related conditions. ClinVar contains an entry for this variant (Variation ID: 2587489). Invitae Evidence Modeling of protein sequence and biophysical properties (such as structural, functional, and spatial information, amino acid conservation, physicochemical variation, residue mobility, and thermodynamic stability) indicates that this missense variant is expected to disrupt MET protein function with a positive predictive value of 80%. In summary, the available evidence is currently insufficient to determine the role of this variant in disease. Therefore, it has been classified as a Variant of Uncertain Significance.

Ambry Genetics
Classification: Uncertain significance for Hereditary cancer-predisposing syndrome. Last evaluated: 2023-08-11. Review status: criteria provided, single submitter. Criteria: Ambry Variant Classification Scheme 2023. Collection method: clinical testing. Allele origin: germline.
Comment: The p.D224H variant (also known as c.670G>C), located in coding exon 1 of the MET gene, results from a G to C substitution at nucleotide position 670. The aspartic acid at codon 224 is replaced by histidine, an amino acid with similar properties. This amino acid position is conserved. In addition, the in silico prediction for this alteration is inconclusive. Since supporting evidence is limited at this time, the clinical significance of this alteration remains unclear.

NM_000245.4(MET):c.670G>C (p.Asp224His)

Gene: MET (MET proto-oncogene, receptor tyrosine kinase; plus strand). Cytogenetic location: 7q31.2.
Variant type: single nucleotide variant.
Coding change: c.670G>C on transcript NM_000245.4 (MANE Select); coding-DNA position 670, G replaced by C.
Protein change: p.Asp224His; replaces aspartic acid 224 with histidine.
Molecular consequence: missense variant. On other transcripts: intron variant (1).
Genome position (GRCh38, 1-based): chr7:116,699,754, G>C. VCF-style: chr7-116699754-G-C. GRCh37 (hg19) VCF-style: chr7-116339808-G-C.
Other names: c.670G>C, p.Asp224His (NM_001127500.3, NM_001324401.3); c.-91+27177G>C (NM_001324402.2); short protein forms D224H.
Identifiers: ClinVar variation 2587489 (VCV002587489.3), dbSNP rs765257726, ClinGen allele CA368969584.